The following is an entry in ClinVar:

NM_000203.5(IDUA):c.73C>T (p.Pro25Ser)

Genes: IDUA (alpha-L-iduronidase; plus strand), SLC26A1 (solute carrier family 26 member 1; minus strand). Cytogenetic location: 4p16.3.
Variant type: single nucleotide variant.
Coding change: c.73C>T on transcript NM_000203.5 (MANE Select); coding-DNA position 73, C replaced by T.
Protein change: p.Pro25Ser; replaces proline 25 with serine.
Molecular consequence: missense variant. On other transcripts: non-coding transcript variant (1), intron variant (1).
Genome position (GRCh38, 1-based): chr4:987,157, C>T. VCF-style: chr4-987157-C-T. GRCh37 (hg19) VCF-style: chr4-980945-C-T.
Other names: c.576+3971G>A (NM_134425.4); short protein forms P25S.
Identifiers: ClinVar variation 1017452 (VCV001017452.18), dbSNP rs775731864, ClinGen allele CA2801109.

ClinVar aggregate classification (germline): Uncertain significance. Review status: criteria provided, single submitter (1 of 4 stars). 2 submissions from 2 submitters: Uncertain significance (1). 1 of the submissions does not count toward it. Last evaluated 2021-08-26.

Conditions:
Mucopolysaccharidosis type 1. Also called: IDUA deficiency; MPS I; Mucopolysaccharidosis Type I. Identifiers: Orphanet 579, MedGen C0023786, MONDO:0001586.

Allele frequency attached by ClinVar (database versions not stated): TOPMed 0.00001; ExAC below 0.00001; gnomAD 0.00001.
gnomAD v4.1: 2 of 1,425,082 alleles (0.00014%); highest among the groups gnomAD compares: Non-Finnish European, 0.00018%; no homozygotes.

Submissions (2):

Labcorp Genetics (formerly Invitae), Labcorp
Classification: Uncertain significance for Mucopolysaccharidosis type 1. Last evaluated: 2021-08-26. Review status: criteria provided, single submitter. Criteria: Invitae Variant Classification Sherloc (09022015). Collection method: clinical testing. Allele origin: germline.
Comment: This sequence change replaces proline with serine at codon 25 of the IDUA protein (p.Pro25Ser). The proline residue is weakly conserved and there is a moderate physicochemical difference between proline and serine. The frequency data for this variant in the population databases is considered unreliable, as metrics indicate poor data quality at this position in the ExAC database. This variant has not been reported in the literature in individuals affected with IDUA-related conditions. In summary, the available evidence is currently insufficient to determine the role of this variant in disease. Therefore, it has been classified as a Variant of Uncertain Significance.

Natera, Inc.
Classification: Uncertain significance for Mucopolysaccharidosis type I. Last evaluated: 2021-03-01. Review status: no assertion criteria provided. Collection method: clinical testing. Allele origin: germline. Not counted in ClinVar's aggregate classification.